The following is an entry in ClinVar:

NM_007294.4(BRCA1):c.2176_2177del (p.Leu726fs)

Gene: BRCA1 (BRCA1 DNA repair associated; minus strand). Cytogenetic location: 17q21.31.
Variant type: Deletion.
Coding change: c.2176_2177del on transcript NM_007294.4 (MANE Select); coding-DNA positions 2176 to 2177, 2 bases deleted (CT; older notation c.2176_2177delCT).
Protein change: p.Leu726fs; shifts the reading frame from leucine 726.
Molecular consequence: frameshift variant. On other transcripts: intron variant (137).
Genome position (GRCh38, 1-based): chr17:43,093,354-43,093,355, AG deleted on the plus strand (CT on the coding strand, the reverse complement: BRCA1 is on the minus strand). VCF-style (leftmost placement, unchanged base first): chr17-43093353-AAG-A. GRCh37 (hg19) VCF-style: chr17-41245370-AAG-A.
Other names: 2295delCT-ter738; c.1975_1976del, p.Leu659fs (NM_001407862.1); c.2053_2054del, p.Leu685fs (NM_001407863.1, NM_001407919.1, NM_001407937.1 and 19 more transcripts); c.1972_1973del, p.Leu658fs (NM_001407874.1, NM_001407875.1); c.1966_1967del, p.Leu656fs (NM_001407879.1, NM_001407881.1, NM_001407882.1 and 13 more transcripts); c.1963_1964del, p.Leu655fs (NM_001407894.1, NM_001407895.1, NM_001407896.1 and 9 more transcripts); c.1912_1913del, p.Leu638fs (NM_001407920.1, NM_001407921.1, NM_001407922.1 and 9 more transcripts); c.1909_1910del, p.Leu637fs (NM_001407930.1, NM_001407931.1, NM_001407932.1 and 2 more transcripts); and 42 more; short protein forms L726fs, L679fs, L558fs, L599fs, L638fs, L655fs, L723fs, L598fs.
Identifiers: ClinVar variation 54484 (VCV000054484.10), dbSNP rs397508945, ClinGen allele CA001453.

ClinVar aggregate classification (germline): Pathogenic. Review status: reviewed by expert panel (3 of 4 stars). 4 submissions from 4 submitters: Pathogenic (1). 3 of the submissions do not count toward it. Last evaluated 2016-10-18.

Conditions:
Hereditary breast ovarian cancer syndrome. Also called: Hereditary breast and ovarian cancer syndrome (HBOC); Hereditary breast and ovarian cancer syndrome; Hereditary breast and ovarian cancer; Hereditary breast and/or ovarian cancer syndrome; Breast and ovarian cancer; BRCA1- and BRCA2-Associated Hereditary Breast and Ovarian Cancer. Identifiers: Orphanet 145, MedGen C0677776, MeSH D061325, MONDO:0003582. Disease mechanism: loss of function.
Breast-ovarian cancer, familial, susceptibility to, 1 (BROVCA1). Also called: OVARIAN CANCER, SUSCEPTIBILITY TO; BRCA1 Hereditary Breast and Ovarian Cancer. Identifiers: Orphanet 145, MedGen C2676676, MONDO:0011450, OMIM 604370. Disease mechanism: loss of function.

Submissions (4):

Evidence-based Network for the Interpretation of Germline Mutant Alleles (ENIGMA)
Classification: Pathogenic for Breast-ovarian cancer, familial, susceptibility to, 1. Last evaluated: 2016-10-18. Review status: reviewed by expert panel. Criteria: ENIGMA BRCA1/2 Classification Criteria (2015). Collection method: curation. Allele origin: germline.
Comment: Variant allele predicted to encode a truncated non-functional protein.

Mendelics
Classification: Pathogenic for Hereditary breast and ovarian cancer syndrome. Last evaluated: 2018-07-02. Review status: criteria provided, single submitter. Criteria: Mendelics Assertion Criteria 2017. Collection method: clinical testing. Allele origin: unknown. Not counted in ClinVar's aggregate classification.

Labcorp Genetics (formerly Invitae), Labcorp
Classification: Pathogenic for Hereditary breast ovarian cancer syndrome. Last evaluated: 2016-07-10. Review status: criteria provided, single submitter. Criteria: Invitae Variant Classification Sherloc (09022015). Collection method: clinical testing. Allele origin: germline. Not counted in ClinVar's aggregate classification.
Comment: For these reasons, this variant has been classified as Pathogenic. Truncating variants in BRCA1 are known to be pathogenic (PMID: 20104584). This particular variant has been reported in a family with breast and ovarian cancer (PMID: 15340362). This variant is also known as 2295delCT in the literature. This sequence change deletes 2 nucleotides from exon 10 of the BRCA1 mRNA (c.2176_2177delCT), causing a frameshift at codon 726. This creates a premature translational stop signal (p.Leu726Serfs*13) and is expected to result in an absent or disrupted protein product.

Consortium of Investigators of Modifiers of BRCA1/2 (CIMBA), c/o University of Cambridge
Classification: Pathogenic for Breast-ovarian cancer, familial, susceptibility to, 1. Last evaluated: 2015-10-02. Review status: criteria provided, single submitter. Criteria: CIMBA Mutation Classification guidelines May 2016. Collection method: clinical testing. Allele origin: germline. Not counted in ClinVar's aggregate classification.

Literature cited by the submitters: PubMed 20104584 (cited by Labcorp Genetics (formerly Invitae), Labcorp); PubMed 15340362 (cited by Labcorp Genetics (formerly Invitae), Labcorp).